The following is an entry in ClinVar:

ClinVar aggregate classification (germline): Uncertain significance (1 of 4 stars; one submission).

Conditions:
Isolated microphthalmia 5. Also called: Posterior Microphthalmia with Retinitis Pigmentosa, Foveoschisis, and Optic Disc Drusen. Identifiers: Orphanet 251279, MedGen C1970236, MONDO:0012605, OMIM 611040.

Allele frequency attached by ClinVar (database versions not stated): TOPMed below 0.00001.

Submission:

Labcorp Genetics (formerly Invitae), Labcorp
Classification: Uncertain significance for Isolated microphthalmia 5. Last evaluated: 2022-03-27. Review status: criteria provided, single submitter. Criteria: Invitae Variant Classification Sherloc (09022015). Collection method: clinical testing. Allele origin: germline.
Comment: In summary, the available evidence is currently insufficient to determine the role of this variant in disease. Therefore, it has been classified as a Variant of Uncertain Significance. Algorithms developed to predict the effect of missense changes on protein structure and function (SIFT, PolyPhen-2, Align-GVGD) all suggest that this variant is likely to be tolerated. This variant has not been reported in the literature in individuals affected with MFRP-related conditions. This variant is not present in population databases (gnomAD no frequency). This sequence change replaces histidine, which is basic and polar, with arginine, which is basic and polar, at codon 323 of the MFRP protein (p.His323Arg).

NM_031433.4(MFRP):c.968A>G (p.His323Arg)

Genes: C1QTNF5 (C1q and TNF related 5; minus strand), MFRP (membrane frizzled-related protein; minus strand). Cytogenetic location: 11q23.3.
Variant type: single nucleotide variant.
Coding change: c.968A>G on transcript NM_031433.4 (MANE Select); coding-DNA position 968, A replaced by G.
Protein change: p.His323Arg; replaces histidine 323 with arginine.
Molecular consequence: missense variant. On other transcripts: 5 prime UTR variant (1).
Genome position (GRCh38, 1-based): chr11:119,344,322, T>C on the plus strand (A>G on the coding strand, the complement: MFRP is on the minus strand). VCF-style: chr11-119344322-T-C. GRCh37 (hg19) VCF-style: chr11-119215032-T-C.
Other names: c.-1669A>G (NM_015645.5); short protein forms H323R.
Identifiers: ClinVar variation 1467051 (VCV001467051.9), dbSNP rs1023012645, ClinGen allele CA229677267.
Genomic context (GRCh38, chr11:119,344,322, plus strand): 5'-ATCAGGTGCTTCCGTGTGTGCCCCTCCCGTTCTGCATGGAGCACTGTGCTTACCAGTTGG[T>C]GAGGGTACTGCTGCAGGTAGCTGGGAGTAGAGAAAGTGCCCTGGAGGCCAGTCAGATTCC-3'
Protein context (NP_113621.1, residues 313-333): STPSYLQQYP[His323Arg]QLLCTWHISV